The following is an entry in ClinVar:

NM_000642.3(AGL):c.4575T>A (p.Ile1525=)

Gene: AGL (amylo-alpha-1,6-glucosidase and 4-alpha-glucanotransferase; plus strand). Cytogenetic location: 1p21.2.
Variant type: single nucleotide variant.
Coding change: c.4575T>A on transcript NM_000642.3 (MANE Select); coding-DNA position 4575, T replaced by A.
Protein change: p.Ile1525=; no amino-acid change (isoleucine 1525 retained).
Molecular consequence: synonymous variant.
Genome position (GRCh38, 1-based): chr1:99,921,627, T>A. VCF-style: chr1-99921627-T-A. GRCh37 (hg19) VCF-style: chr1-100387183-T-A.
Other names: c.4575T>A, p.Ile1525= (NM_000028.3, NM_000643.3, NM_000644.3 and 1 more transcripts); c.4527T>A, p.Ile1509= (NM_000646.3); c.4554T>A, p.Ile1518= (NM_001425326.1); c.4374T>A, p.Ile1458= (NM_001425327.1); c.4371T>A, p.Ile1457= (NM_001425328.1); c.4236T>A, p.Ile1412= (NM_001425329.1); c.4197T>A, p.Ile1399= (NM_001425332.1).
Identifiers: ClinVar variation 526607 (VCV000526607.22), dbSNP rs372116308, ClinGen allele CA967475.
Genomic context (GRCh38, chr1:99,921,627, plus strand): 5'-TGAGAATGCCCAGTACTGTCCTTTCAGCTGTGAAACACAAGCCTGGTCAATTGCTACTAT[T>A]CTTGAGACACTTTATGATTTATAGTTTATTACAGATATTAAGTATGCAATTACTTGTATT-3'
Protein context (NP_000633.2, residues 1515-1532): CETQAWSIAT[Ile1525=]LETLYDL

ClinVar aggregate classification (germline): Conflicting classifications of pathogenicity. Review status: criteria provided, conflicting classifications (1 of 4 stars). 7 submissions from 7 submitters: Uncertain significance (2); Likely benign (4). 1 of the submissions does not count toward it. Last evaluated 2026-02-02.

Conditions:
Glycogen storage disease type III (GSD3). Also called: Cori disease; FORBES DISEASE. Identifiers: Orphanet 366, MedGen C0017922, MONDO:0009291, OMIM 232400.

Allele frequency attached by ClinVar (database versions not stated): gnomAD exomes 0.00015 and 0.00022; gnomAD 0.00016 and 0.00017; TOPMed 0.00020; ExAC 0.00027; ESP Exome Variant Server 0.00031.
gnomAD v4.1: 245 of 1,609,960 alleles (0.015%); highest among the groups gnomAD compares: Middle Eastern, 0.17%; no homozygotes.

Submissions (7):

Labcorp Genetics (formerly Invitae), Labcorp
Classification: Likely benign for Glycogen storage disease type III. Last evaluated: 2026-02-02. Review status: criteria provided, single submitter. Criteria: Invitae Variant Classification Sherloc (09022015). Collection method: clinical testing. Allele origin: germline.

Blueprint Genetics
Classification: Likely benign. Last evaluated: 2024-09-07. Review status: criteria provided, single submitter. Criteria: ACMG Guidelines, 2015. Collection method: clinical testing. Allele origin: germline.

ARUP Laboratories, Molecular Genetics and Genomics, ARUP Laboratories
Classification: Likely benign. Last evaluated: 2024-02-06. Review status: criteria provided, single submitter. Criteria: ARUP Molecular Germline Variant Investigation Process 2024. Collection method: clinical testing. Allele origin: germline.

GeneDx
Classification: Uncertain significance. Last evaluated: 2021-08-31. Review status: criteria provided, single submitter. Criteria: GeneDx Variant Classification Process June 2021. Collection method: clinical testing. Allele origin: germline. Affected: yes.
Comment: Has not been previously published as pathogenic or benign to our knowledge; In silico analysis supports that this variant does not alter splicing

Genome-Nilou Lab
Classification: Likely benign for Glycogen storage disease type III. Last evaluated: 2021-07-15. Review status: criteria provided, single submitter. Criteria: ACMG Guidelines, 2015. Collection method: clinical testing. Allele origin: germline. Affected: no.

Illumina Laboratory Services, Illumina
Classification: Uncertain significance for Glycogen storage disease type III. Last evaluated: 2018-01-13. Review status: criteria provided, single submitter. Criteria: ICSL Variant Classification Criteria 13 December 2019. Collection method: clinical testing. Allele origin: germline.

Natera, Inc.
Classification: Likely benign for Glycogen storage disease type III. Last evaluated: 2020-09-16. Review status: no assertion criteria provided. Collection method: clinical testing. Allele origin: germline. Not counted in ClinVar's aggregate classification.